The following is an entry in ClinVar:

NM_001080467.3(MYO5B):c.3432G>A (p.Thr1144=)

Gene: MYO5B (myosin VB; minus strand). Cytogenetic location: 18q21.1.
Variant type: single nucleotide variant.
Coding change: c.3432G>A on transcript NM_001080467.3 (MANE Select); coding-DNA position 3432, G replaced by A.
Protein change: p.Thr1144=; no amino-acid change (threonine 1144 retained).
Molecular consequence: synonymous variant.
Genome position (GRCh38, 1-based): chr18:49,875,792, C>T on the plus strand (G>A on the coding strand, the complement: MYO5B is on the minus strand). VCF-style: chr18-49875792-C-T. GRCh37 (hg19) VCF-style: chr18-47402162-C-T.
Other names: p.Thr1144=.
Identifiers: ClinVar variation 327027 (VCV000327027.18), dbSNP rs61737443, ClinGen allele CA8960716.

ClinVar aggregate classification (germline): Benign/Likely benign. Review status: criteria provided, multiple submitters, no conflicts (2 of 4 stars). 5 submissions from 5 submitters: Benign (4); Likely benign (1). Last evaluated 2026-01-25.

Conditions:
Cholestasis, progressive familial intrahepatic, 10 (PFIC10). Identifiers: MedGen C5676981, MONDO:0030810, OMIM 619868.
Congenital microvillous atrophy (DIAR2). Also called: DAVIDSON DISEASE; MICROVILLUS ATROPHY, CONGENITAL; Microvillus inclusion disease; Diarrhea 2 with microvillus atrophy, with or without cholestasis; CONGENITAL FAMILIAL PROTRACTED DIARRHEA WITH ENTEROCYTE BRUSH-BORDER ABNORMALITIES. Identifiers: Orphanet 2290, MedGen C0341306, MONDO:0009635, OMIM 251850.

Allele frequency attached by ClinVar (database versions not stated): gnomAD exomes 0.00055 and 0.00137; ExAC 0.00169; ESP Exome Variant Server 0.00582; gnomAD 0.00584 and 0.00628; 1000 Genomes Project 0.00659; TOPMed 0.00675; 1000 Genomes Project 30x 0.00703.
gnomAD v4.1: 1,740 of 1,614,134 alleles (0.11%); highest among the groups gnomAD compares: African/African-American, 1.9%; 16 homozygotes.

Submissions (5):

Labcorp Genetics (formerly Invitae), Labcorp
Classification: Benign. Last evaluated: 2026-01-25. Review status: criteria provided, single submitter. Criteria: Invitae Variant Classification Sherloc (09022015). Collection method: clinical testing. Allele origin: germline.

Mayo Clinic Laboratories, Mayo Clinic
Classification: Benign. Last evaluated: 2024-10-05. Review status: criteria provided, single submitter. Criteria: ACMG Guidelines, 2015. Collection method: clinical testing. Allele origin: germline. Observed: 1 variant allele.
Comment: BS1, BS2, BP4, BP7

Fulgent Genetics
Classification: Likely benign for Congenital microvillous atrophy; Cholestasis, progressive familial intrahepatic, 10. Last evaluated: 2021-10-11. Review status: criteria provided, single submitter. Criteria: ACMG Guidelines, 2015. Collection method: clinical testing. Allele origin: unknown.

Illumina Laboratory Services, Illumina
Classification: Benign for Congenital microvillous atrophy. Last evaluated: 2018-01-13. Review status: criteria provided, single submitter. Criteria: ICSL Variant Classification Criteria 13 December 2019. Collection method: clinical testing. Allele origin: germline.
Comment: This variant was observed in the ICSL laboratory as part of a predisposition screen in an ostensibly healthy population. It had not been previously curated by ICSL or reported in the Human Gene Mutation Database (HGMD: prior to June 1st, 2018), and was therefore a candidate for classification through an automated scoring system. Utilizing variant allele frequency, disease prevalence and penetrance estimates, and inheritance mode, an automated score was calculated to assess if this variant is too frequent to cause the disease. Based on the score and internal cut-off values, a variant classified as benign is not then subjected to further curation. The score for this variant resulted in a classification of benign for this disease.

Breakthrough Genomics
Classification: Benign. Review status: criteria provided, single submitter. Criteria: ACMG Guidelines, 2015. Collection method: not provided. Allele origin: germline. Inheritance: Autosomal recessive inheritance. Affected: yes.